The following is an entry in ClinVar:

NM_020778.5(ALPK3):c.1241C>G (p.Ser414Cys)

Gene: ALPK3 (alpha kinase 3; plus strand). Cytogenetic location: 15q25.3.
Variant type: single nucleotide variant.
Coding change: c.1241C>G on transcript NM_020778.5 (MANE Select); coding-DNA position 1241, C replaced by G.
Protein change: p.Ser414Cys; replaces serine 414 with cysteine.
Molecular consequence: missense variant.
Genome position (GRCh38, 1-based): chr15:84,840,520, C>G. VCF-style: chr15-84840520-C-G. GRCh37 (hg19) VCF-style: chr15-85383751-C-G.
Other names: short protein forms S414C.
Identifiers: ClinVar variation 1435548 (VCV001435548.8), dbSNP rs758630539, ClinGen allele CA7709147.

ClinVar aggregate classification (germline): Uncertain significance. Review status: criteria provided, multiple submitters, no conflicts (2 of 4 stars). 3 submissions from 3 submitters: Uncertain significance (3). Last evaluated 2025-07-01.

Conditions:
Cardiovascular phenotype. Identifiers: MedGen CN230736.

gnomAD v4.1: 6 of 1,609,974 alleles (0.00037%); highest among the groups gnomAD compares: Non-Finnish European, 0.00051%; no homozygotes.

Submissions (3):

Labcorp Genetics (formerly Invitae), Labcorp
Classification: Uncertain significance. Last evaluated: 2025-07-01. Review status: criteria provided, single submitter. Criteria: Invitae Variant Classification Sherloc (09022015). Collection method: clinical testing. Allele origin: germline.
Comment: This sequence change replaces serine, which is neutral and polar, with cysteine, which is neutral and slightly polar, at codon 616 of the ALPK3 protein (p.Ser616Cys). This variant is present in population databases (rs758630539, gnomAD 0.002%). This variant has not been reported in the literature in individuals affected with ALPK3-related conditions. ClinVar contains an entry for this variant (Variation ID: 1435548). Invitae Evidence Modeling of protein sequence and biophysical properties (such as structural, functional, and spatial information, amino acid conservation, physicochemical variation, residue mobility, and thermodynamic stability) indicates that this missense variant is expected to disrupt ALPK3 protein function with a positive predictive value of 80%. In summary, the available evidence is currently insufficient to determine the role of this variant in disease. Therefore, it has been classified as a Variant of Uncertain Significance.

Ambry Genetics
Classification: Uncertain significance for Cardiovascular phenotype. Last evaluated: 2023-12-24. Review status: criteria provided, single submitter. Criteria: Ambry Variant Classification Scheme 2023. Collection method: clinical testing. Allele origin: germline.
Comment: The p.S616C variant (also known as c.1847C>G), located in coding exon 5 of the ALPK3 gene, results from a C to G substitution at nucleotide position 1847. The serine at codon 616 is replaced by cysteine, an amino acid with dissimilar properties. This amino acid position is conserved. In addition, the in silico prediction for this alteration is inconclusive. Since supporting evidence is limited at this time, the clinical significance of this alteration remains unclear.

GeneDx
Classification: Uncertain significance. Last evaluated: 2022-05-31. Review status: criteria provided, single submitter. Criteria: GeneDx Variant Classification Process June 2021. Collection method: clinical testing. Allele origin: germline. Affected: yes.
Comment: Not observed at a significant frequency in large population cohorts (gnomAD); In silico analysis supports that this missense variant has a deleterious effect on protein structure/function; Has not been previously published as pathogenic or benign to our knowledge